The following is an entry in ClinVar:

NM_024675.4(PALB2):c.2026A>C (p.Ile676Leu)

Gene: PALB2 (partner and localizer of BRCA2; minus strand). Cytogenetic location: 16p12.2.
Variant type: single nucleotide variant.
Coding change: c.2026A>C on transcript NM_024675.4 (MANE Select); coding-DNA position 2026, A replaced by C.
Protein change: p.Ile676Leu; replaces isoleucine 676 with leucine.
Molecular consequence: missense variant.
Genome position (GRCh38, 1-based): chr16:23,630,128, T>G on the plus strand (A>C on the coding strand, the complement: PALB2 is on the minus strand). VCF-style: chr16-23630128-T-G. GRCh37 (hg19) VCF-style: chr16-23641449-T-G.
Other names: short protein forms I676L.
Identifiers: ClinVar variation 484244 (VCV000484244.21), dbSNP rs761478794, ClinGen allele CA7963636.

ClinVar aggregate classification (germline): Conflicting classifications of pathogenicity. Review status: criteria provided, conflicting classifications (1 of 4 stars). 6 submissions from 6 submitters: Uncertain significance (5); Likely benign (1). Last evaluated 2025-04-28.

Conditions:
Hereditary cancer-predisposing syndrome. Also called: Hereditary neoplastic syndrome; Neoplastic Syndromes, Hereditary; Tumor predisposition; Hereditary Cancer Syndrome. Identifiers: Orphanet 140162, MedGen C0027672, MeSH D009386, MONDO:0015356.
Pancreatic cancer, susceptibility to, 3. Identifiers: Orphanet 1333, MedGen C3150547, MONDO:0013236, OMIM 613348.
Familial cancer of breast. Also called: BREAST CANCER, FAMILIAL; Hereditary breast cancer; hereditary breast carcinoma. Identifiers: Orphanet 227535, MedGen C0346153, MONDO:0016419, OMIM 114480. Disease mechanism: loss of function.
Fanconi anemia complementation group N. Also called: PALB2-Related Fanconi Anemia. Identifiers: Orphanet 84, MedGen C1835817, MONDO:0012565, OMIM 610832. Disease mechanism: loss of function.

Allele frequency attached by ClinVar (database versions not stated): ExAC 0.00001; gnomAD exomes 0.00001; TOPMed 0.00001.
gnomAD v4.1: 3 of 1,614,188 alleles (0.00019%); highest among the groups gnomAD compares: Non-Finnish European, 0.00025%; no homozygotes.

Submissions (6):

Labcorp Genetics (formerly Invitae), Labcorp
Classification: Uncertain significance for Familial cancer of breast. Last evaluated: 2025-04-28. Review status: criteria provided, single submitter. Criteria: Invitae Variant Classification Sherloc (09022015). Collection method: clinical testing. Allele origin: germline.
Comment: This sequence change replaces isoleucine, which is neutral and non-polar, with leucine, which is neutral and non-polar, at codon 676 of the PALB2 protein (p.Ile676Leu). This variant is present in population databases (rs761478794, gnomAD 0.0009%). This missense change has been observed in individual(s) with hereditary breast and/or ovarian cancer (PMID: 35610400). ClinVar contains an entry for this variant (Variation ID: 484244). Invitae Evidence Modeling of protein sequence and biophysical properties (such as structural, functional, and spatial information, amino acid conservation, physicochemical variation, residue mobility, and thermodynamic stability) indicates that this missense variant is not expected to disrupt PALB2 protein function with a negative predictive value of 80%. In summary, the available evidence is currently insufficient to determine the role of this variant in disease. Therefore, it has been classified as a Variant of Uncertain Significance.

Molecular Pathology, Peter Maccallum Cancer Centre
Classification: Uncertain significance for Familial cancer of breast. Last evaluated: 2024-10-31. Review status: criteria provided, single submitter. Criteria: ACMG Guidelines, 2015. Collection method: clinical testing. Allele origin: germline. Inheritance: Autosomal dominant inheritance.

Ambry Genetics
Classification: Likely benign for Hereditary cancer-predisposing syndrome. Last evaluated: 2023-12-13. Review status: criteria provided, single submitter. Criteria: Ambry Variant Classification Scheme 2023. Collection method: clinical testing. Allele origin: germline.

Color Diagnostics, LLC DBA Color Health
Classification: Uncertain significance for Hereditary cancer-predisposing syndrome. Last evaluated: 2021-07-29. Review status: criteria provided, single submitter. Criteria: ACMG Guidelines, 2015. Collection method: clinical testing. Allele origin: germline.
Comment: This missense variant replaces isoleucine with leucine at codon 676 of the PALB2 protein. Computational prediction suggests that this variant may not impact protein structure and function (internally defined REVEL score threshold <= 0.5, PMID: 27666373). To our knowledge, functional studies have not been reported for this variant. This variant has not been reported in individuals affected with hereditary cancer in the literature. This variant has been identified in 2/251442 chromosomes in the general population by the Genome Aggregation Database (gnomAD). The available evidence is insufficient to determine the role of this variant in disease conclusively. Therefore, this variant is classified as a Variant of Uncertain Significance.

Mendelics
Classification: Uncertain significance for Familial cancer of breast. Last evaluated: 2019-05-28. Review status: criteria provided, single submitter. Criteria: Mendelics Assertion Criteria 2017. Collection method: clinical testing. Allele origin: unknown.

Fulgent Genetics
Classification: Uncertain significance for Familial cancer of breast; Fanconi anemia complementation group N; Pancreatic cancer, susceptibility to, 3. Last evaluated: 2018-10-31. Review status: criteria provided, single submitter. Criteria: ACMG Guidelines, 2015. Collection method: clinical testing. Allele origin: unknown.

Literature cited by the submitters: PubMed 35610400 (cited by Labcorp Genetics (formerly Invitae), Labcorp).